The following is an entry in ClinVar:

ClinVar aggregate classification (germline): Likely benign (0 of 4 stars; one submission).

Conditions:
ZNF512B-related disorder. Also called: ZNF512B-related condition.

Allele frequency attached by ClinVar (database versions not stated): TOPMed 0.00004; gnomAD 0.00005; gnomAD exomes 0.00006; ESP Exome Variant Server 0.00008; ExAC 0.00011; 1000 Genomes Project 30x 0.00016; 1000 Genomes Project 0.00020.
gnomAD v4.1: 103 of 1,613,548 alleles (0.0064%); highest among the groups gnomAD compares: Non-Finnish European, 0.0074%; no homozygotes.

Submission:

PreventionGenetics, part of Exact Sciences
Classification: Likely benign for ZNF512B-related condition. Last evaluated: 2019-06-27. Review status: no assertion criteria provided. Collection method: clinical testing. Allele origin: germline.
Comment: This variant is classified as likely benign based on ACMG/AMP sequence variant interpretation guidelines (Richards et al. 2015 PMID: 25741868, with internal and published modifications).

NM_020713.3(ZNF512B):c.279C>T (p.Asn93=)

Gene: ZNF512B (zinc finger protein 512B; minus strand). Cytogenetic location: 20q13.33.
Variant type: single nucleotide variant.
Coding change: c.279C>T on transcript NM_020713.3 (MANE Select); coding-DNA position 279, C replaced by T.
Protein change: p.Asn93=; no amino-acid change (asparagine 93 retained).
Molecular consequence: synonymous variant.
Genome position (GRCh38, 1-based): chr20:63,966,990, G>A on the plus strand (C>T on the coding strand, the complement: ZNF512B is on the minus strand). VCF-style: chr20-63966990-G-A. GRCh37 (hg19) VCF-style: chr20-62598343-G-A.
Identifiers: ClinVar variation 3042777 (VCV003042777.2), dbSNP rs143997740, ClinGen allele CA9971451.
Genomic context (GRCh38, chr20:63,966,990, plus strand): 5'-CCAGCACCCTGAGTTTGGACACTTCACCCTCGAGTGTGCCTTGAACTCATCCTTCCAGTC[G>A]TTCATCAGGGAGAGCTAGGCGTGGGGAAAGGTGGTGCTGCTGACCCGCAGCCACCTGGGC-3'
Protein context (NP_065764.1, residues 83-103): ALRDIPLSLM[Asn93=]DWKDEFKAHS